The following is an entry in ClinVar:

ClinVar aggregate classification (germline): Likely pathogenic. Review status: criteria provided, single submitter (1 of 4 stars). 2 submissions from 2 submitters: Likely pathogenic (1). 1 of the submissions does not count toward it. Last evaluated 2026-08-14.

Conditions:
Warsaw breakage syndrome (WABS). Also called: DDX11-Related Cohesinopathy. Identifiers: Orphanet 280558, MedGen C3150658, MONDO:0013252, OMIM 613398.

Submissions (2):

GeneDx
Classification: Likely pathogenic. Last evaluated: 2026-08-14. Review status: criteria provided, single submitter. Criteria: GeneDx Variant Classification Process June 2021. Collection method: clinical testing. Allele origin: germline.
Comment: Published functional studies demonstrate a strong reduction of DDX11 protein due to degradation of the protein (PMID: 30216658); In silico analysis supports that this missense variant has a deleterious effect on protein structure/function; In silico analysis suggests this variant may impact gene splicing. In the absence of RNA/functional studies, the actual effect of this sequence change is unknown.; Not observed at significant frequency in large population cohorts (gnomAD); This variant is associated with the following publications: (PMID: 30216658, 36703504, 42107920)

OMIM
Classification: Pathogenic for WARSAW BREAKAGE SYNDROME. Last evaluated: 2019-03-28. Review status: no assertion criteria provided. Collection method: literature only. Allele origin: germline. Not counted in ClinVar's aggregate classification.

Literature cited by the submitters: PubMed 30216658 (cited by OMIM).

NM_030653.4(DDX11):c.1133G>C (p.Arg378Pro)

Gene: DDX11 (DEAD/H-box helicase 11; plus strand). Cytogenetic location: 12p11.21.
Variant type: single nucleotide variant.
Coding change: c.1133G>C on transcript NM_030653.4 (MANE Select); coding-DNA position 1133, G replaced by C.
Protein change: p.Arg378Pro; replaces arginine 378 with proline.
Molecular consequence: missense variant.
Genome position (GRCh38, 1-based): chr12:31,091,762, G>C. VCF-style: chr12-31091762-G-C. GRCh37 (hg19) VCF-style: chr12-31244696-G-C.
Other names: c.1133G>C, p.Arg378Pro (NM_001257144.2, NM_004399.3, NM_152438.2); c.1055G>C, p.Arg352Pro (NM_001257145.2); short protein forms R378P, R352P.
Identifiers: ClinVar variation 421308 (VCV000421308.6), dbSNP rs368266910, ClinGen allele CA6501109.